The following is an entry in ClinVar:

NM_030667.3(PTPRO):c.1905G>A (p.Pro635=)

Gene: PTPRO (protein tyrosine phosphatase receptor type O; plus strand). Cytogenetic location: 12p12.3.
Variant type: single nucleotide variant.
Coding change: c.1905G>A on transcript NM_030667.3 (MANE Select); coding-DNA position 1905, G replaced by A.
Protein change: p.Pro635=; no amino-acid change (proline 635 retained).
Molecular consequence: synonymous variant.
Genome position (GRCh38, 1-based): chr12:15,524,827, G>A. VCF-style: chr12-15524827-G-A. GRCh37 (hg19) VCF-style: chr12-15677761-G-A.
Other names: c.1905G>A, p.Pro635= (NM_002848.4); c.1905G>A (NM_030667.2).
Identifiers: ClinVar variation 2180228 (VCV002180228.6), dbSNP rs369720581, ClinGen allele CA6466665.
Genomic context (GRCh38, chr12:15,524,827, plus strand): 5'-ATTTATCCATCTATTATACTAAATTGTGCCTCGTTTCTCCCTTGTAGCCCCAGTGGCTCC[G>A]GAAATCACTTCTGTGGAATATTTCAACAGTCTGTTATATATCAGTTGGACATATGGGGAT-3'
Protein context (NP_109592.1, residues 625-645): TISFITAPVA[Pro635=]EITSVEYFNS

ClinVar aggregate classification (germline): Likely benign. Review status: criteria provided, single submitter (1 of 4 stars). 2 submissions from 2 submitters: Likely benign (1). 1 of the submissions does not count toward it. Last evaluated 2024-10-21.

Conditions:
PTPRO-related disorder. Also called: PTPRO-related condition.

Allele frequency attached by ClinVar (database versions not stated): ExAC 0.00002; gnomAD exomes 0.00003; gnomAD 0.00004; TOPMed 0.00005; ESP Exome Variant Server 0.00008.
gnomAD v4.1: 47 of 1,613,180 alleles (0.0029%); highest among the groups gnomAD compares: East Asian, 0.0067%; no homozygotes.

Submissions (2):

Labcorp Genetics (formerly Invitae), Labcorp
Classification: Likely benign. Last evaluated: 2024-10-21. Review status: criteria provided, single submitter. Criteria: Invitae Variant Classification Sherloc (09022015). Collection method: clinical testing. Allele origin: germline.

PreventionGenetics, part of Exact Sciences
Classification: Likely benign for PTPRO-related condition. Last evaluated: 2022-12-20. Review status: no assertion criteria provided. Collection method: clinical testing. Allele origin: germline. Not counted in ClinVar's aggregate classification.
Comment: This variant is classified as likely benign based on ACMG/AMP sequence variant interpretation guidelines (Richards et al. 2015 PMID: 25741868, with internal and published modifications).